The following is an entry in ClinVar:

ClinVar aggregate classification (germline): Pathogenic/Likely pathogenic. Review status: criteria provided, multiple submitters, no conflicts (2 of 4 stars). 2 submissions from 2 submitters: Pathogenic (1); Likely pathogenic (1). Last evaluated 2021-03-26.

Conditions:
Autosomal recessive polycystic kidney disease (ARPKD). Also called: AR polycystic kidney disease. Identifiers: Orphanet 731, Orphanet 8378, MedGen C0085548, MeSH D017044, MONDO:0009889.

Submissions (2):

Labcorp Genetics (formerly Invitae), Labcorp
Classification: Pathogenic for Autosomal recessive polycystic kidney disease. Last evaluated: 2021-03-26. Review status: criteria provided, single submitter. Criteria: Invitae Variant Classification Sherloc (09022015). Collection method: clinical testing. Allele origin: germline.
Comment: For these reasons, this variant has been classified as Pathogenic. This variant has not been reported in the literature in individuals with PKHD1-related conditions. ClinVar contains an entry for this variant (Variation ID: 813391). This variant is not present in population databases (ExAC no frequency). This sequence change creates a premature translational stop signal (p.Leu447Trpfs*15) in the PKHD1 gene. It is expected to result in an absent or disrupted protein product. Loss-of-function variants in PKHD1 are known to be pathogenic (PMID: 19940839).

Baylor Genetics
Classification: Likely pathogenic for Polycystic kidney disease 4. Review status: criteria provided, single submitter. Criteria: ACMG Guidelines, 2015. Collection method: clinical testing. Allele origin: germline.

Literature cited by the submitters: PubMed 19940839 (cited by Labcorp Genetics (formerly Invitae), Labcorp).

NM_138694.4(PKHD1):c.1338del (p.Leu447fs)

Gene: PKHD1 (PKHD1 ciliary IPT domain containing fibrocystin/polyductin; minus strand). Cytogenetic location: 6p12.2.
Variant type: Deletion.
Coding change: c.1338del on transcript NM_138694.4 (MANE Select); coding-DNA position 1338, one base deleted (G; older notation c.1338delG).
Protein change: p.Leu447fs; shifts the reading frame from leucine 447.
Molecular consequence: frameshift variant.
Genome position (GRCh38, 1-based): chr6:52,058,497, C deleted on the plus strand (G on the coding strand, the reverse complement: PKHD1 is on the minus strand). VCF-style (leftmost placement, unchanged base first): chr6-52058496-AC-A. GRCh37 (hg19) VCF-style: chr6-51923294-AC-A.
Other names: c.1338del, p.Leu447fs (NM_170724.3); short protein forms L447fs.
Identifiers: ClinVar variation 813391 (VCV000813391.7), dbSNP rs1582013246, ClinGen allele CA915944294.